The following is an entry in ClinVar:

NM_015001.3(SPEN):c.1577C>T (p.Ser526Leu)

Gene: SPEN (spen family transcriptional repressor; plus strand). Cytogenetic location: 1p36.13.
Variant type: single nucleotide variant.
Coding change: c.1577C>T on transcript NM_015001.3 (MANE Select); coding-DNA position 1577, C replaced by T.
Protein change: p.Ser526Leu; replaces serine 526 with leucine.
Molecular consequence: missense variant.
Genome position (GRCh38, 1-based): chr1:15,919,459, C>T. VCF-style: chr1-15919459-C-T. GRCh37 (hg19) VCF-style: chr1-16245954-C-T.
Other names: short protein forms S526L.
Identifiers: ClinVar variation 1723702 (VCV001723702.2), dbSNP rs2523053120, ClinGen allele CA338620599.

ClinVar aggregate classification (germline): Uncertain significance (1 of 4 stars; one submission).

Allele frequency attached by ClinVar (database versions not stated): gnomAD exomes below 0.00001.
gnomAD v4.1: 1 of 1,608,668 alleles (0.000062%); highest among the groups gnomAD compares: Non-Finnish European, 0.000085%; no homozygotes.

Submission:

GeneDx
Classification: Uncertain significance. Last evaluated: 2022-12-21. Review status: criteria provided, single submitter. Criteria: GeneDx Variant Classification Process June 2021. Collection method: clinical testing. Allele origin: germline. Affected: yes.
Comment: Not observed at significant frequency in large population cohorts (gnomAD); In silico analysis supports that this missense variant has a deleterious effect on protein structure/function; Has not been previously published as pathogenic or benign to our knowledge